The following is an entry in ClinVar:

ClinVar aggregate classification (germline): Uncertain significance. Review status: criteria provided, multiple submitters, no conflicts (2 of 4 stars). 3 submissions from 3 submitters: Uncertain significance (2). 1 of the submissions does not count toward it. Last evaluated 2021-07-22.

Conditions:
SBF1-related disorder. Also called: SBF1-related condition.

Allele frequency attached by ClinVar (database versions not stated): gnomAD exomes 0.00001; TOPMed 0.00001.
gnomAD v4.1: 8 of 1,610,344 alleles (0.0005%); highest among the groups gnomAD compares: Middle Eastern, 0.017%; no homozygotes.

Submissions (3):

Labcorp Genetics (formerly Invitae), Labcorp
Classification: Uncertain significance. Last evaluated: 2021-07-22. Review status: criteria provided, single submitter. Criteria: Invitae Variant Classification Sherloc (09022015). Collection method: clinical testing. Allele origin: germline.
Comment: This variant has not been reported in the literature in individuals affected with SBF1-related conditions. This variant is not present in population databases (ExAC no frequency). This sequence change replaces valine with methionine at codon 513 of the SBF1 protein (p.Val513Met). The valine residue is moderately conserved and there is a small physicochemical difference between valine and methionine. Algorithms developed to predict the effect of missense changes on protein structure and function are either unavailable or do not agree on the potential impact of this missense change (SIFT: "Tolerated"; PolyPhen-2: "Possibly Damaging"; Align-GVGD: "Class C0"). In summary, the available evidence is currently insufficient to determine the role of this variant in disease. Therefore, it has been classified as a Variant of Uncertain Significance.

AiLife Diagnostics
Classification: Uncertain significance. Last evaluated: 2020-07-06. Review status: criteria provided, single submitter. Criteria: ACMG Guidelines, 2015. Collection method: clinical testing. Allele origin: germline. Affected: yes. Observed: 1 variant allele.

PreventionGenetics, part of Exact Sciences
Classification: Uncertain significance for SBF1-related condition. Last evaluated: 2024-05-22. Review status: no assertion criteria provided. Collection method: clinical testing. Allele origin: germline. Not counted in ClinVar's aggregate classification.
Comment: The SBF1 c.1537G>A variant is predicted to result in the amino acid substitution p.Val513Met. To our knowledge, this variant has not been reported in the literature. This variant is reported in 0.0056% of alleles in individuals of East Asian descent in gnomAD. At this time, the clinical significance of this variant is uncertain due to the absence of conclusive functional and genetic evidence.

NM_002972.4(SBF1):c.1537G>A (p.Val513Met)

Gene: SBF1 (SET binding factor 1; minus strand). Cytogenetic location: 22q13.33.
Variant type: single nucleotide variant.
Coding change: c.1537G>A on transcript NM_002972.4 (MANE Select); coding-DNA position 1537, G replaced by A.
Protein change: p.Val513Met; replaces valine 513 with methionine.
Molecular consequence: missense variant.
Genome position (GRCh38, 1-based): chr22:50,464,633, C>T on the plus strand (G>A on the coding strand, the complement: SBF1 is on the minus strand). VCF-style: chr22-50464633-C-T. GRCh37 (hg19) VCF-style: chr22-50903062-C-T.
Other names: c.1540G>A, p.Val514Met (NM_001365819.1); c.1537G>A (NM_002972.3); short protein forms V513M, V514M.
Identifiers: ClinVar variation 1424606 (VCV001424606.8), dbSNP rs1391302083, ClinGen allele CA412217638.
Genomic context (GRCh38, chr22:50,464,633, plus strand): 5'-CCTTCACAGCTGGGGGTGCACCCTGCATCTTGGCTGCAGCCTGGTCCACGATCCACTGCA[C>T]GGTGCCCTCATCCAGCCGGGGGAAGGGTCGGGGCACCCGTCGCAGGTGGCTGCTCTCACC-3'
Protein context (NP_002963.2, residues 503-523): RPFPRLDEGT[Val513Met]QWIVDQAAAK